The following is an entry in ClinVar:

NM_000088.4(COL1A1):c.2855A>G (p.Gln952Arg)

Gene: COL1A1 (collagen type I alpha 1 chain; minus strand). Cytogenetic location: 17q21.33.
Variant type: single nucleotide variant.
Coding change: c.2855A>G on transcript NM_000088.4 (MANE Select); coding-DNA position 2855, A replaced by G.
Protein change: p.Gln952Arg; replaces glutamine 952 with arginine.
Molecular consequence: missense variant.
Genome position (GRCh38, 1-based): chr17:50,189,250, T>C on the plus strand (A>G on the coding strand, the complement: COL1A1 is on the minus strand). VCF-style: chr17-50189250-T-C. GRCh37 (hg19) VCF-style: chr17-48266611-T-C.
Other names: short protein forms Q952R.
Identifiers: ClinVar variation 2186951 (VCV002186951.6), dbSNP rs1906850297, ClinGen allele CA400205124.
Genomic context (GRCh38, chr17:50,189,250, plus strand): 5'-AAGCCTCTCTCTCCTCTCTGACCAGGCAGGCCGACCACACCACGCTGTCCAGCAATACCT[T>C]GAGGCCCGGGAGTACCAGGAGCACCCTTTGGGAGGCAAACAGGGGTGAGGTGCCAGAGAG-3'
Protein context (NP_000079.2, residues 942-962): PAGAPGTPGP[Gln952Arg]GIAGQRGVVG

ClinVar aggregate classification (germline): Uncertain significance. Review status: criteria provided, multiple submitters, no conflicts (2 of 4 stars). 3 submissions from 3 submitters: Uncertain significance (3). Last evaluated 2025-10-24.

Conditions:
Osteogenesis imperfecta type I (OI1). Also called: Lobstein disease; Osteogenesis imperfecta type 1; Classic Non-deforming Osteogenesis Imperfecta with Blue Sclerae; Lobstein's Disease; OI, TYPE I; OSTEOGENESIS IMPERFECTA TARDA. Identifiers: Orphanet 216796, Orphanet 666, MedGen C0023931, MONDO:0008146, OMIM 166200. Disease mechanism: loss of function.

gnomAD v4.1: 2 of 1,613,660 alleles (0.00012%); highest among the groups gnomAD compares: Non-Finnish European, 0.00017%; no homozygotes.

Submissions (3):

Labcorp Genetics (formerly Invitae), Labcorp
Classification: Uncertain significance for Osteogenesis imperfecta type I. Last evaluated: 2025-10-24. Review status: criteria provided, single submitter. Criteria: Invitae Variant Classification Sherloc (09022015). Collection method: clinical testing. Allele origin: germline.
Comment: This sequence change replaces glutamine, which is neutral and polar, with arginine, which is basic and polar, at codon 952 of the COL1A1 protein (p.Gln952Arg). This variant is not present in population databases (gnomAD no frequency). This variant has not been reported in the literature in individuals affected with COL1A1-related conditions. ClinVar contains an entry for this variant (Variation ID: 2186951). Invitae Evidence Modeling of protein sequence and biophysical properties (such as structural, functional, and spatial information, amino acid conservation, physicochemical variation, residue mobility, and thermodynamic stability) indicates that this missense variant is not expected to disrupt COL1A1 protein function with a negative predictive value of 95%. In summary, the available evidence is currently insufficient to determine the role of this variant in disease. Therefore, it has been classified as a Variant of Uncertain Significance.

Women's Health and Genetics/Laboratory Corporation of America, LabCorp
Classification: Uncertain significance. Last evaluated: 2025-06-10. Review status: criteria provided, single submitter. Criteria: LabCorp Variant Classification Summary - May 2015. Collection method: clinical testing. Allele origin: germline.
Comment: Variant summary: COL1A1 c.2855A>G (p.Gln952Arg) results in a conservative amino acid change in the encoded protein sequence. Algorithms developed to predict the effect of missense changes on protein structure and function are either unavailable or do not agree on the potential impact of this missense change. The frequency data for this variant in gnomAD is considered unreliable, as metrics indicate poor data quality at this position. To our knowledge, no occurrence of c.2855A>G in individuals affected with Osteogenesis imperfecta type I and no experimental evidence demonstrating its impact on protein function have been reported. ClinVar contains an entry for this variant (Variation ID: 2186951). Based on the evidence outlined above, the variant was classified as uncertain significance.

GeneDx
Classification: Uncertain significance. Last evaluated: 2024-04-01. Review status: criteria provided, single submitter. Criteria: GeneDx Variant Classification Process June 2021. Collection method: clinical testing. Allele origin: germline. Affected: yes.
Comment: Has not been previously published as pathogenic or benign to our knowledge; Not observed at significant frequency in large population cohorts (gnomAD); In silico analysis supports that this missense variant does not alter protein structure/function; Occurs in the triple helical domain at the Y position in the canonical Gly-X-Y repeat; although this variant may have an effect on normal protein folding and function, missense substitution at the Y position is not a common mechanism of disease (HGMD)